The following is an entry in ClinVar:

ClinVar aggregate classification (germline): Uncertain significance (1 of 4 stars; one submission).

Conditions:
Inborn genetic diseases. Identifiers: MedGen C0950123, MeSH D030342.

gnomAD v4.1: 6 of 1,492,856 alleles (0.0004%); highest among the groups gnomAD compares: Non-Finnish European, 0.00053%; no homozygotes.

Submission:

Ambry Genetics
Classification: Uncertain significance for Inborn genetic diseases. Last evaluated: 2024-11-17. Review status: criteria provided, single submitter. Criteria: Ambry Variant Classification Scheme 2023. Collection method: clinical testing. Allele origin: germline.
Comment: The p.G152A variant (also known as c.455G>C), located in coding exon 1 of the SH2B3 gene, results from a G to C substitution at nucleotide position 455. The glycine at codon 152 is replaced by alanine, an amino acid with similar properties. This amino acid position is conserved. In addition, this alteration is predicted to be tolerated by in silico analysis. Based on the available evidence, the clinical significance of this variant remains unclear.

NM_005475.3(SH2B3):c.455G>C (p.Gly152Ala)

Gene: SH2B3 (SH2B adaptor protein 3; plus strand). Cytogenetic location: 12q24.12.
Variant type: single nucleotide variant.
Coding change: c.455G>C on transcript NM_005475.3 (MANE Select); coding-DNA position 455, G replaced by C.
Protein change: p.Gly152Ala; replaces glycine 152 with alanine.
Molecular consequence: missense variant.
Genome position (GRCh38, 1-based): chr12:111,418,600, G>C. VCF-style: chr12-111418600-G-C. GRCh37 (hg19) VCF-style: chr12-111856404-G-C.
Other names: short protein forms G152A.
Identifiers: ClinVar variation 3440725 (VCV003440725.1).